The following is an entry in ClinVar:

ClinVar aggregate classification (germline): Pathogenic (1 of 4 stars; one submission).

Conditions:
Wilms tumor 1 (WT1). Also called: Wilms tumor, somatic. Identifiers: Orphanet 654, MedGen CN033288, MONDO:0008679, OMIM 194070.

Submission:

St. Jude Molecular Pathology, St. Jude Children's Research Hospital
Classification: Pathogenic for Wilms tumor 1. Last evaluated: 2023-06-22. Review status: criteria provided, single submitter. Criteria: St. Jude Assertion Criteria 2020. Collection method: clinical testing. Allele origin: germline. Affected: yes.
Comment: The WT1 c.716_722del (p.His239ArgfsTer50) change deletes seven nucleotides to cause a frameshift and the creation of a premature stop codon. This change is predicted to cause protein truncation or absence of protein due to nonsense-mediated decay. This variant is also absent in gnomAD v2.1.1. In summary, this variant meets criteria to be classified as pathogenic.

NM_024426.6(WT1):c.716_722del (p.His239fs)

Gene: WT1 (WT1 transcription factor; minus strand). Cytogenetic location: 11p13.
Variant type: Deletion.
Coding change: c.716_722del on transcript NM_024426.6 (MANE Select); coding-DNA positions 716 to 722, 7 bases deleted (ACCATGC; older notation c.716_722delACCATGC).
Protein change: p.His239fs; shifts the reading frame from histidine 239.
Molecular consequence: frameshift variant. On other transcripts: 5 prime UTR variant (1), non-coding transcript variant (2), intron variant (2).
Genome position (GRCh38, 1-based): chr11:32,428,559-32,428,565, GCATGGT deleted on the plus strand (ACCATGC on the coding strand, the reverse complement: WT1 is on the minus strand); deleting any 7 consecutive bases within chr11:32,428,559-32,428,567 gives the same sequence; the c. name uses the placement nearest the transcript's 3' end. VCF-style (leftmost placement, unchanged base first): chr11-32428558-CGCATGGT-C. GRCh37 (hg19) VCF-style: chr11-32450104-CGCATGGT-C.
Other names: c.716_722del, p.His239fs (NM_000378.6, NM_001407044.1, NM_001407045.1 and 4 more transcripts); c.65_71del, p.His22fs (NM_001198551.2, NM_001198552.2); c.-47_-41del (NM_001407051.1); c.699_705delGCACCAT, p.His234Argfs (NM_024425.2); c.662-507_662-501del (NM_001407050.1, NM_001407047.1); short protein forms H22fs, H239fs.
Identifiers: ClinVar variation 2577898 (VCV002577898.1), dbSNP rs2494432008, ClinGen allele CA2580617510.